The following is an entry in ClinVar:

NM_000152.5(GAA):c.220C>T (p.Arg74Cys)

Gene: GAA (alpha glucosidase; plus strand). Cytogenetic location: 17q25.3.
Variant type: single nucleotide variant.
Coding change: c.220C>T on transcript NM_000152.5 (MANE Select); coding-DNA position 220, C replaced by T.
Protein change: p.Arg74Cys; replaces arginine 74 with cysteine.
Molecular consequence: missense variant.
Genome position (GRCh38, 1-based): chr17:80,104,806, C>T. VCF-style: chr17-80104806-C-T. GRCh37 (hg19) VCF-style: chr17-78078605-C-T.
Other names: p.Arg74Cys; c.220C>T, p.Arg74Cys (NM_001079803.3, NM_001079804.3, NM_001406741.1 and 1 more transcripts); short protein forms R74C.
Identifiers: ClinVar variation 3380523 (VCV003380523.1).

ClinVar aggregate classification (germline): Uncertain significance (1 of 4 stars; one submission).

Submission:

Mayo Clinic Laboratories, Mayo Clinic
Classification: Uncertain significance. Last evaluated: 2024-05-09. Review status: criteria provided, single submitter. Criteria: ACMG Guidelines, 2015. Collection method: clinical testing. Allele origin: germline. Observed: 1 variant allele.
Comment: PM2